The following is an entry in ClinVar:

ClinVar aggregate classification (germline): Uncertain significance (1 of 4 stars; one submission).

Allele frequency attached by ClinVar (database versions not stated): gnomAD 0.00001; gnomAD exomes 0.00001.
gnomAD v4.1: 17 of 1,613,472 alleles (0.0011%); highest among the groups gnomAD compares: Admixed American, 0.0017%; no homozygotes.

Submission:

Labcorp Genetics (formerly Invitae), Labcorp
Classification: Uncertain significance. Last evaluated: 2022-07-05. Review status: criteria provided, single submitter. Criteria: Invitae Variant Classification Sherloc (09022015). Collection method: clinical testing. Allele origin: germline.
Comment: This sequence change replaces leucine, which is neutral and non-polar, with valine, which is neutral and non-polar, at codon 33 of the CEP152 protein (p.Leu33Val). This variant is not present in population databases (gnomAD no frequency). This variant has not been reported in the literature in individuals affected with CEP152-related conditions. ClinVar contains an entry for this variant (Variation ID: 1471407). Algorithms developed to predict the effect of missense changes on protein structure and function are either unavailable or do not agree on the potential impact of this missense change (SIFT: "Deleterious"; PolyPhen-2: "Probably Damaging"; Align-GVGD: "Class C0"). Algorithms developed to predict the effect of sequence changes on RNA splicing suggest that this variant may create or strengthen a splice site. In summary, the available evidence is currently insufficient to determine the role of this variant in disease. Therefore, it has been classified as a Variant of Uncertain Significance.

NM_001194998.2(CEP152):c.97T>G (p.Leu33Val)

Gene: CEP152 (centrosomal protein 152; minus strand). Cytogenetic location: 15q21.1.
Variant type: single nucleotide variant.
Coding change: c.97T>G on transcript NM_001194998.2 (MANE Select); coding-DNA position 97, T replaced by G.
Protein change: p.Leu33Val; replaces leucine 33 with valine.
Molecular consequence: missense variant.
Genome position (GRCh38, 1-based): chr15:48,798,042, A>C on the plus strand (T>G on the coding strand, the complement: CEP152 is on the minus strand). VCF-style: chr15-48798042-A-C. GRCh37 (hg19) VCF-style: chr15-49090239-A-C.
Other names: c.97T>G, p.Leu33Val (NM_014985.4); short protein forms L33V.
Identifiers: ClinVar variation 1471407 (VCV001471407.5), dbSNP rs1378968851, ClinGen allele CA392358776.